The following is an entry in ClinVar:

NM_001845.6(COL4A1):c.324+16G>A

Gene: COL4A1 (collagen type IV alpha 1 chain; minus strand). Cytogenetic location: 13q34.
Variant type: single nucleotide variant.
Coding change: c.324+16G>A on transcript NM_001845.6 (MANE Select); 16 bases into the intron after coding-DNA position 324, G replaced by A.
Molecular consequence: intron variant.
Genome position (GRCh38, 1-based): chr13:110,212,558, C>T on the plus strand (G>A on the coding strand, the complement: COL4A1 is on the minus strand). VCF-style: chr13-110212558-C-T. GRCh37 (hg19) VCF-style: chr13-110864905-C-T.
Other names: c.324+16G>A (NM_001303110.2).
Identifiers: ClinVar variation 1640150 (VCV001640150.10), dbSNP rs770236988, ClinGen allele CA7048577.

ClinVar aggregate classification (germline): Likely benign. Review status: criteria provided, multiple submitters, no conflicts (2 of 4 stars). 3 submissions from 3 submitters: Likely benign (3). Last evaluated 2025-09-30.

Conditions:
Microangiopathy and leukoencephalopathy, pontine, autosomal dominant. Also called: DEMENTIA, HEREDITARY MULTI-INFARCT, SWEDISH TYPE; Pontine autosomal dominant microangiopathy with leukoencephalopathy. Identifiers: Orphanet 477749, MedGen C5231411, MONDO:0032814, OMIM 618564.
Autosomal dominant familial hematuria-retinal arteriolar tortuosity-contractures syndrome. Also called: Hereditary Angiopathy with Nephropathy, Aneurysms, and Muscle Cramps (HANAC) Syndrome; Angiopathy, hereditary, with nephropathy, aneurysms, and muscle cramps. Identifiers: Orphanet 73229, MedGen C2673195, MONDO:0012726, OMIM 611773.
Hemorrhage, intracerebral, susceptibility to (ICH). Also called: Stroke, hemorrhagic, susceptibility to. Identifiers: MedGen C3281105, MONDO:0100533, OMIM 614519.
Retinal arterial tortuosity. Also called: Retinal arteries, tortuosity of; RETINAL HEMORRHAGE WITH VASCULAR TORTUOSITY. Identifiers: Orphanet 75326, MedGen C0423401, MONDO:0008373, OMIM 180000, HP:0000631.
Brain small vessel disease 1 with or without ocular anomalies (BSVD1). Also called: Brain small vessel disease with or without ocular anomalies; PORENCEPHALY, TYPE 1, AUTOSOMAL DOMINANT; BRAIN SMALL VESSEL DISEASE WITH HEMORRHAGE; GOULD SYNDROME 1. Identifiers: Orphanet 2940, Orphanet 36383, Orphanet 99810, MedGen C4755307, MONDO:0008289, OMIM 175780.

Allele frequency attached by ClinVar (database versions not stated): gnomAD 0.00001 and 0.00003; TOPMed 0.00002; gnomAD exomes 0.00003; ExAC 0.00004.
gnomAD v4.1: 62 of 1,614,024 alleles (0.0038%); highest among the groups gnomAD compares: South Asian, 0.019%; no homozygotes.

Submissions (3):

Labcorp Genetics (formerly Invitae), Labcorp
Classification: Likely benign. Last evaluated: 2025-09-30. Review status: criteria provided, single submitter. Criteria: Invitae Variant Classification Sherloc (09022015). Collection method: clinical testing. Allele origin: germline.

Women's Health and Genetics/Laboratory Corporation of America, LabCorp
Classification: Likely benign. Last evaluated: 2023-10-26. Review status: criteria provided, single submitter. Criteria: LabCorp Variant Classification Summary - May 2015. Collection method: clinical testing. Allele origin: germline.
Comment: Variant summary: COL4A1 c.324+16G>A alters a non-conserved nucleotide located at a position not widely known to affect splicing. Consensus agreement among computation tools predict no significant impact on normal splicing. However, these predictions have yet to be confirmed by functional studies. The variant allele was found at a frequency of 2.8e-05 in 251448 control chromosomes. The available data on variant occurrences in the general population are insufficient to allow any conclusion about variant significance. To our knowledge, no occurrence of c.324+16G>A in individuals affected with Porencephaly 1 and no experimental evidence demonstrating its impact on protein function have been reported. Two submitters have cited clinical-significance assessments for this variant to ClinVar after 2014. All submitters classified the variant as likely benign. Based on the evidence outlined above, the variant was classified as likely benign.

Fulgent Genetics
Classification: Likely benign for Brain small vessel disease 1 with or without ocular anomalies; Retinal arterial tortuosity; Autosomal dominant familial hematuria-retinal arteriolar tortuosity-contractures syndrome; Hemorrhage, intracerebral, susceptibility to; Microangiopathy and leukoencephalopathy, pontine, autosomal dominant. Last evaluated: 2022-04-23. Review status: criteria provided, single submitter. Criteria: ACMG Guidelines, 2015. Collection method: clinical testing. Allele origin: unknown.